The following is an entry in ClinVar:

ClinVar aggregate classification (germline): Pathogenic. Review status: reviewed by expert panel (3 of 4 stars). 3 submissions from 3 submitters: Pathogenic (1). 2 of the submissions do not count toward it. Last evaluated 2017-12-15.

Conditions:
Breast-ovarian cancer, familial, susceptibility to, 1 (BROVCA1). Also called: OVARIAN CANCER, SUSCEPTIBILITY TO; BRCA1 Hereditary Breast and Ovarian Cancer. Identifiers: Orphanet 145, MedGen C2676676, MONDO:0011450, OMIM 604370. Disease mechanism: loss of function.
Familial cancer of breast. Also called: Hereditary breast cancer; hereditary breast carcinoma; BREAST CANCER, FAMILIAL. Identifiers: Orphanet 227535, MedGen C0346153, MONDO:0016419, OMIM 114480. Disease mechanism: loss of function.

Submissions (3):

Evidence-based Network for the Interpretation of Germline Mutant Alleles (ENIGMA)
Classification: Pathogenic for Breast-ovarian cancer, familial, susceptibility to, 1. Last evaluated: 2017-12-15. Review status: reviewed by expert panel. Criteria: ENIGMA BRCA1/2 Classification Criteria (2017-06-29). Collection method: curation. Allele origin: germline. Study: ENIGMA.
Comment: Variant allele predicted to encode a truncated non-functional protein.

Clinical Genetics Laboratory, Skane University Hospital Lund
Classification: Pathogenic. Last evaluated: 2022-05-27. Review status: criteria provided, single submitter. Criteria: ACMG Guidelines, 2015. Collection method: clinical testing. Allele origin: germline. Affected: yes. Not counted in ClinVar's aggregate classification.

ClinVar Staff, National Center for Biotechnology Information (NCBI)
No classification provided. Condition: Familial cancer of breast. Review status: no classification provided. Collection method: literature only. Allele origin: germline. Affected: yes. Not counted in ClinVar's aggregate classification.

Literature cited by the submitters: PubMed 18489799 (cited by ClinVar Staff, National Center for Biotechnology Information (NCBI)).

NM_007294.4(BRCA1):c.1040del (p.Leu347fs)

Gene: BRCA1 (BRCA1 DNA repair associated; minus strand). Cytogenetic location: 17q21.31.
Variant type: Deletion.
Coding change: c.1040del on transcript NM_007294.4 (MANE Select); coding-DNA position 1040, one base deleted (T; older notation c.1040delT).
Protein change: p.Leu347fs; shifts the reading frame from leucine 347.
Molecular consequence: frameshift variant. On other transcripts: intron variant (137).
Genome position (GRCh38, 1-based): chr17:43,094,491, A deleted on the plus strand (T on the coding strand, the reverse complement: BRCA1 is on the minus strand). VCF-style (leftmost placement, unchanged base first): chr17-43094490-CA-C. GRCh37 (hg19) VCF-style: chr17-41246507-CA-C.
Other names: c.577+253del (NM_001408514.1, NM_001408485.1, NM_001408483.1 and 9 more transcripts); c.661+253del (NM_001408447.1, NM_001408433.1, NM_001408446.1 and 6 more transcripts); c.784+253del (NM_001408400.1, NM_001408392.1, NM_001407986.1 and 13 more transcripts); c.664+253del (NM_001408441.1, NM_001408437.1, NM_001408429.1 and 12 more transcripts); c.787+253del (NM_001407979.1, NM_001407977.1, NM_001407982.1 and 19 more transcripts); c.646+253del (NM_001408410.1, NM_001408458.1, NM_001408469.1 and 11 more transcripts); c.709+253del (NM_001408415.1, NM_001408412.1, NM_001408409.1 and 2 more transcripts); c.827del, p.Leu276fs (NM_001407571.1, NM_001407853.1, NM_001407894.1 and 9 more transcripts); and 42 more; short protein forms L347fs, L300fs, L179fs, L219fs, L220fs, L235fs, L236fs, L258fs.
Identifiers: ClinVar variation 54106 (VCV000054106.4), dbSNP rs397508828, ClinGen allele CA000699.